The following is an entry in ClinVar:

NM_032043.3(BRIP1):c.2505C>G (p.His835Gln)

Gene: BRIP1 (BRCA1 interacting DNA helicase 1; minus strand). Cytogenetic location: 17q23.2.
Variant type: single nucleotide variant.
Coding change: c.2505C>G on transcript NM_032043.3 (MANE Select); coding-DNA position 2505, C replaced by G.
Protein change: p.His835Gln; replaces histidine 835 with glutamine.
Molecular consequence: missense variant.
Genome position (GRCh38, 1-based): chr17:61,693,500, G>C on the plus strand (C>G on the coding strand, the complement: BRIP1 is on the minus strand). VCF-style: chr17-61693500-G-C. GRCh37 (hg19) VCF-style: chr17-59770861-G-C.
Other names: short protein forms H835Q.
Identifiers: ClinVar variation 461114 (VCV000461114.10), dbSNP rs775547651, ClinGen allele CA400482482.

ClinVar aggregate classification (germline): Uncertain significance (1 of 4 stars; one submission).

Conditions:
Fanconi anemia complementation group J. Also called: BRIP1-Related Fanconi Anemia. Identifiers: Orphanet 84, MedGen C1836860, MONDO:0012187, OMIM 609054.
Familial cancer of breast. Also called: BREAST CANCER, FAMILIAL; hereditary breast carcinoma; Hereditary breast cancer. Identifiers: Orphanet 227535, MedGen C0346153, MONDO:0016419, OMIM 114480. Disease mechanism: loss of function.

gnomAD v4.1: 2 of 1,612,368 alleles (0.00012%); highest among the groups gnomAD compares: Non-Finnish European, 0.00017%; no homozygotes.

Submission:

Labcorp Genetics (formerly Invitae), Labcorp
Classification: Uncertain significance for Familial cancer of breast; Fanconi anemia complementation group J. Last evaluated: 2018-09-21. Review status: criteria provided, single submitter. Criteria: Invitae Variant Classification Sherloc (09022015). Collection method: clinical testing. Allele origin: germline.
Comment: This sequence change replaces histidine with glutamine at codon 835 of the BRIP1 protein (p.His835Gln). The histidine residue is highly conserved and there is a small physicochemical difference between histidine and glutamine. This variant is not present in population databases (ExAC no frequency) and has not been reported in the literature in individuals with a BRIP1-related disease. Algorithms developed to predict the effect of missense changes on protein structure and function do not agree on the potential impact of this missense change (SIFT: "Deleterious"; PolyPhen-2: "Probably Damaging"; Align-GVGD: "Class C15"). In summary, this variant is a novel missense change with uncertain impact on protein function. It has been classified as a Variant of Uncertain Significance.